The following is an entry in ClinVar:

NM_194454.3(KRIT1):c.1563G>A (p.Gln521=)

Gene: KRIT1 (KRIT1 ankyrin repeat containing; minus strand). Cytogenetic location: 7q21.2.
Variant type: single nucleotide variant.
Coding change: c.1563G>A on transcript NM_194454.3 (MANE Select); coding-DNA position 1563, G replaced by A.
Protein change: p.Gln521=; no amino-acid change (glutamine 521 retained).
Molecular consequence: synonymous variant.
Genome position (GRCh38, 1-based): chr7:92,221,902, C>T on the plus strand (G>A on the coding strand, the complement: KRIT1 is on the minus strand). VCF-style: chr7-92221902-C-T. GRCh37 (hg19) VCF-style: chr7-91851216-C-T.
Other names: c.1419G>A, p.Gln473= (NM_001013406.2, NM_001350669.1, NM_001350670.1); c.849G>A, p.Gln283= (NM_001350671.1); c.1563G>A, p.Gln521= (NM_001350672.1, NM_001350673.1, NM_001350674.1 and 26 more transcripts).
Identifiers: ClinVar variation 590712 (VCV000590712.7), dbSNP rs1563263055, ClinGen allele CA456456956.

ClinVar aggregate classification (germline): Uncertain significance. Review status: criteria provided, multiple submitters, no conflicts (2 of 4 stars). 3 submissions from 3 submitters: Uncertain significance (3). Last evaluated 2024-03-02.

Conditions:
Cerebral cavernous malformation (CCM). Also called: Cavernous Hemangioma of Brain; Cerebral cavernous hemangioma (type); Cerebral cavernous malformations; CAVERNOUS ANGIOMA, FAMILIAL; CAVERNOUS ANGIOMATOUS MALFORMATIONS; CEREBRAL CAPILLARY MALFORMATIONS. Identifiers: Orphanet 221061, MedGen C2919945, MONDO:0000820, OMIM 116860, HP:0033522.

Submissions (3):

Labcorp Genetics (formerly Invitae), Labcorp
Classification: Uncertain significance for Cerebral cavernous malformation. Last evaluated: 2024-03-02. Review status: criteria provided, single submitter. Criteria: Invitae Variant Classification Sherloc (09022015). Collection method: clinical testing. Allele origin: germline.
Comment: This sequence change affects codon 521 of the KRIT1 mRNA. It is a 'silent' change, meaning that it does not change the encoded amino acid sequence of the KRIT1 protein. This variant also falls at the last nucleotide of exon 15, which is part of the consensus splice site for this exon. This variant is not present in population databases (gnomAD no frequency). This variant has not been reported in the literature in individuals affected with KRIT1-related conditions. ClinVar contains an entry for this variant (Variation ID: 590712). Variants that disrupt the consensus splice site are a relatively common cause of aberrant splicing (PMID: 17576681, 9536098). Algorithms developed to predict the effect of sequence changes on RNA splicing suggest that this variant may disrupt the consensus splice site. In summary, the available evidence is currently insufficient to determine the role of this variant in disease. Therefore, it has been classified as a Variant of Uncertain Significance.

Athena Diagnostics
Classification: Uncertain significance. Last evaluated: 2023-11-10. Review status: criteria provided, single submitter. Criteria: Athena Diagnostics Criteria. Collection method: clinical testing. Allele origin: unknown.
Comment: Available data are insufficient to determine the clinical significance of the variant at this time. This variant has not been reported in large, multi-ethnic general populations. Computational tools yielded predictions that this variant may interfere with normal RNA splicing.

PreventionGenetics, part of Exact Sciences
Classification: Uncertain significance. Last evaluated: 2017-10-09. Review status: criteria provided, single submitter. Criteria: ACMG Guidelines, 2015. Collection method: clinical testing. Allele origin: germline.

Literature cited by the submitters: PubMed 17576681 (cited by Labcorp Genetics (formerly Invitae), Labcorp); PubMed 9536098 (cited by Labcorp Genetics (formerly Invitae), Labcorp).